The following is an entry in ClinVar:

NM_025114.4(CEP290):c.829_830del (p.Glu277fs)

Gene: CEP290 (centrosomal protein 290; minus strand). Cytogenetic location: 12q21.32.
Variant type: Deletion.
Coding change: c.829_830del on transcript NM_025114.4 (MANE Select); coding-DNA positions 829 to 830, 2 bases deleted (GA; older notation c.829_830delGA).
Protein change: p.Glu277fs; shifts the reading frame from glutamic acid 277.
Molecular consequence: frameshift variant.
Genome position (GRCh38, 1-based): chr12:88,129,716-88,129,717, TC deleted on the plus strand (GA on the coding strand, the reverse complement: CEP290 is on the minus strand); deleting any 2 consecutive bases within chr12:88,129,716-88,129,718 gives the same sequence; the c. name uses the placement nearest the transcript's 3' end. VCF-style (leftmost placement, unchanged base first): chr12-88129715-TTC-T. GRCh37 (hg19) VCF-style: chr12-88523492-TTC-T.
Other names: short protein forms E277fs.
Identifiers: ClinVar variation 4880708 (VCV004880708.2).

ClinVar aggregate classification (germline): Likely pathogenic (1 of 4 stars; one submission).

Submission:

Dasa
Classification: Likely pathogenic. Last evaluated: 2025-05-21. Review status: criteria provided, single submitter. Criteria: DASA Assertion Criteria. Collection method: clinical testing. Allele origin: germline.
Comment: NM_025114.4(CEP290):c.829_830del (p.Glu277Lysfs*20) is a frameshift variant in CEP290 predicted to alter the reading frame and introduce a premature termination codon and is predicted to result in an absent or altered protein product. Loss of function is an established disease mechanism for CEP290-associated disorders. Also, this variant is absent from population databases. Based on the currently available evidence, this variant is classified as likely pathogenic.